The following is an entry in ClinVar:

NM_001165963.4(SCN1A):c.4002+2084A>G

Genes: SCN1A (sodium voltage-gated channel alpha subunit 1; minus strand), LOC102724058 (uncharacterized LOC102724058; plus strand). Cytogenetic location: 2q24.3.
Variant type: single nucleotide variant.
Coding change: c.4002+2084A>G on transcript NM_001165963.4 (MANE Select); 2084 bases into the intron after coding-DNA position 4002, A replaced by G.
Molecular consequence: intron variant.
Genome position (GRCh38, 1-based): chr2:166,007,635, T>C on the plus strand (A>G on the coding strand, the complement: SCN1A is on the minus strand). VCF-style: chr2-166007635-T-C. GRCh37 (hg19) VCF-style: chr2-166864145-T-C.
Other names: c.3969+2084A>G (NM_001353949.2, NM_001353950.2, NM_001353951.2 and 2 more transcripts); c.3918+2084A>G (NM_001353958.2, NM_001353957.2, NM_001165964.3); c.4002+2084A>G (NM_001202435.3, NM_001353948.2); c.3966+2084A>G (NM_001353955.2, NM_001353954.2); c.3915+2084A>G (NM_001353960.2); c.1560+2084A>G (NM_001353961.2).
Identifiers: ClinVar variation 1651254 (VCV001651254.9), dbSNP rs1355573329, ClinGen allele CA760220911.

ClinVar aggregate classification (germline): Uncertain significance (1 of 4 stars; one submission).

Conditions:
Early-infantile DEE. Also called: Ohtahara syndrome; Early infantile epileptic encephalopathy; Early infantile epileptic encephalopathy with suppression bursts. Identifiers: Orphanet 1934, MedGen C0393706, MONDO:0800491.

Allele frequency attached by ClinVar (database versions not stated): gnomAD 0.00002; TOPMed 0.00002.
gnomAD v4.1: 3 of 151,398 alleles (0.002%); highest among the groups gnomAD compares: Non-Finnish European, 0.0044%; no homozygotes.

Submission:

Labcorp Genetics (formerly Invitae), Labcorp
Classification: Uncertain significance for Early-infantile DEE. Last evaluated: 2024-07-23. Review status: criteria provided, single submitter. Criteria: Invitae Variant Classification Sherloc (09022015). Collection method: clinical testing. Allele origin: germline.
Comment: This sequence change falls in intron 20 of the SCN1A gene. It does not directly change the encoded amino acid sequence of the SCN1A protein. However, this sequence change falls within a region encompassing a cryptic exon in the SCN1A gene, in which variants have been shown to alter splicing (PMID: 30526861, 34107977). This variant is not present in population databases (gnomAD no frequency). This variant has been observed in individual(s) with clinical features of developmental and epileptic encephalopathy (Invitae). ClinVar contains an entry for this variant (Variation ID: 1651254). Algorithms developed to predict the effect of sequence changes on RNA splicing suggest that this variant is not likely to affect RNA splicing. In summary, the available evidence is currently insufficient to determine the role of this variant in disease. Therefore, it has been classified as a Variant of Uncertain Significance.

Literature cited by the submitters: PubMed 30526861; PubMed 34107977.